The following is an entry in ClinVar:

ClinVar aggregate classification (germline): Uncertain significance. Review status: criteria provided, multiple submitters, no conflicts (2 of 4 stars). 2 submissions from 2 submitters: Uncertain significance (2). Last evaluated 2024-02-14.

Conditions:
Neuropathy, hereditary sensory, type 1F. Also called: Hereditary sensory neuropathy type IF; HSN IF. Identifiers: Orphanet 36386, MedGen C3810194, MONDO:0014286, OMIM 615632.

Submissions (2):

Labcorp Genetics (formerly Invitae), Labcorp
Classification: Uncertain significance for Neuropathy, hereditary sensory, type 1F. Last evaluated: 2024-02-14. Review status: criteria provided, single submitter. Criteria: Invitae Variant Classification Sherloc (09022015). Collection method: clinical testing. Allele origin: germline.
Comment: This sequence change replaces glycine, which is neutral and non-polar, with serine, which is neutral and polar, at codon 450 of the ATL3 protein (p.Gly450Ser). This variant is not present in population databases (gnomAD no frequency). This variant has not been reported in the literature in individuals affected with ATL3-related conditions. ClinVar contains an entry for this variant (Variation ID: 2581840). An algorithm developed to predict the effect of missense changes on protein structure and function (PolyPhen-2) suggests that this variant is likely to be tolerated. In summary, the available evidence is currently insufficient to determine the role of this variant in disease. Therefore, it has been classified as a Variant of Uncertain Significance.

GeneDx
Classification: Uncertain significance. Last evaluated: 2023-03-30. Review status: criteria provided, single submitter. Criteria: GeneDx Variant Classification Process June 2021. Collection method: clinical testing. Allele origin: germline. Affected: yes.
Comment: Not observed at significant frequency in large population cohorts (gnomAD); In silico analysis supports that this missense variant does not alter protein structure/function; Has not been previously published as pathogenic or benign to our knowledge

NM_015459.5(ATL3):c.1348G>A (p.Gly450Ser)

Genes: ATL3 (atlastin GTPase 3; minus strand), LNCROPM (lncRNA regulator of PLAAT3 mediated phospholipid metabolism; plus strand). Cytogenetic location: 11q13.1.
Variant type: single nucleotide variant.
Coding change: c.1348G>A on transcript NM_015459.5 (MANE Select); coding-DNA position 1348, G replaced by A.
Protein change: p.Gly450Ser; replaces glycine 450 with serine.
Molecular consequence: missense variant.
Genome position (GRCh38, 1-based): chr11:63,631,231, C>T on the plus strand (G>A on the coding strand, the complement: ATL3 is on the minus strand). VCF-style: chr11-63631231-C-T. GRCh37 (hg19) VCF-style: chr11-63398703-C-T.
Other names: c.1294G>A, p.Gly432Ser (NM_001290048.2); short protein forms G432S, G450S.
Identifiers: ClinVar variation 2581840 (VCV002581840.3), dbSNP rs2495621077, ClinGen allele CA381025134.